The following is an entry in ClinVar:

ClinVar aggregate classification (germline): Uncertain significance (1 of 4 stars; one submission).

Allele frequency attached by ClinVar (database versions not stated): gnomAD 0.00001; TOPMed 0.00002.
gnomAD v4.1: 14 of 1,587,808 alleles (0.00088%); highest among the groups gnomAD compares: African/African-American, 0.0013%; no homozygotes.

Submission:

Labcorp Genetics (formerly Invitae), Labcorp
Classification: Uncertain significance. Last evaluated: 2021-12-03. Review status: criteria provided, single submitter. Criteria: Invitae Variant Classification Sherloc (09022015). Collection method: clinical testing. Allele origin: germline.
Comment: This sequence change replaces arginine, which is basic and polar, with histidine, which is basic and polar, at codon 230 of the EIF2B4 protein (p.Arg230His). This variant is not present in population databases (gnomAD no frequency). This variant has not been reported in the literature in individuals affected with EIF2B4-related conditions. Algorithms developed to predict the effect of missense changes on protein structure and function output the following: SIFT: "Tolerated"; PolyPhen-2: "Benign"; Align-GVGD: "Class C0". The histidine amino acid residue is found in multiple mammalian species, which suggests that this missense change does not adversely affect protein function. In summary, the available evidence is currently insufficient to determine the role of this variant in disease. Therefore, it has been classified as a Variant of Uncertain Significance.

NM_001034116.2(EIF2B4):c.692G>A (p.Arg231His)

Gene: EIF2B4 (eukaryotic translation initiation factor 2B subunit delta; minus strand). Cytogenetic location: 2p23.3.
Variant type: single nucleotide variant.
Coding change: c.692G>A on transcript NM_001034116.2 (MANE Select); coding-DNA position 692, G replaced by A.
Protein change: p.Arg231His; replaces arginine 231 with histidine.
Molecular consequence: missense variant.
Genome position (GRCh38, 1-based): chr2:27,368,038, C>T on the plus strand (G>A on the coding strand, the complement: EIF2B4 is on the minus strand). VCF-style: chr2-27368038-C-T. GRCh37 (hg19) VCF-style: chr2-27590905-C-T.
Other names: c.755G>A, p.Arg252His (NM_001318965.2); c.647G>A, p.Arg216His (NM_001318966.2); c.599G>A, p.Arg200His (NM_001318967.2); c.107G>A, p.Arg36His (NM_001318968.2); c.74G>A, p.Arg25His (NM_001318969.2); c.689G>A, p.Arg230His (NM_015636.4); c.752G>A, p.Arg251His (NM_172195.4); short protein forms R230H, R200H, R251H, R36H, R216H, R231H, R25H, R252H.
Identifiers: ClinVar variation 1349953 (VCV001349953.3), dbSNP rs1272467526, ClinGen allele CA346200116.
Genomic context (GRCh38, chr2:27,368,038, plus strand): 5'-TGGGGGAGGTGGGGTTGGATCATAAGAGAGAACAGGATGGGACATACCTGCTGCAAGGCA[C>T]GAAGCAGGGCAATACACCGGGCATTGGAGCCACTGACCAGGCCCTGGGAGTACTGCAGGC-3'
Protein context (NP_001029288.1, residues 221-241): GSNARCIALL[Arg231His]ALQQVIQDYT